The following is an entry in ClinVar:

NM_001039469.3(MARK2):c.2296_2297del (p.Lys766fs)

Gene: MARK2 (microtubule affinity regulating kinase 2; plus strand). Cytogenetic location: 11q13.1.
Variant type: Deletion.
Coding change: c.2296_2297del on transcript NM_001039469.3 (MANE Select); coding-DNA positions 2296 to 2297, 2 bases deleted (AA; older notation c.2296_2297delAA).
Protein change: p.Lys766fs; shifts the reading frame from lysine 766.
Molecular consequence: frameshift variant.
Genome position (GRCh38, 1-based): chr11:63,909,166-63,909,167, AA deleted. VCF-style (leftmost placement, unchanged base first): chr11-63909165-TAA-T. GRCh37 (hg19) VCF-style: chr11-63676637-TAA-T.
Other names: c.2089_2090del, p.Lys697fs (NM_001163296.2); c.2059_2060del, p.Lys687fs (NM_001163297.2); c.2104_2105del, p.Lys702fs (NM_004954.5); c.2167_2168del, p.Lys723fs (NM_017490.4); short protein forms K687fs, K697fs, K702fs, K723fs, K766fs.
Identifiers: ClinVar variation 3906644 (VCV003906644.1).

ClinVar aggregate classification (germline): Uncertain significance (1 of 4 stars; one submission).

Submission:

GeneDx
Classification: Uncertain significance. Last evaluated: 2024-12-17. Review status: criteria provided, single submitter. Criteria: GeneDx Variant Classification Process June 2021. Collection method: clinical testing. Allele origin: germline. Affected: yes.
Comment: Not observed at significant frequency in large population cohorts (gnomAD); Has not been previously published as pathogenic or benign to our knowledge; Frameshift variant predicted to result in abnormal protein length as the last 23 amino acid(s) are replaced with 211 different amino acid(s) with an unclear effect on protein function